The following is an entry in ClinVar:

NM_002246.3(KCNK3):c.1021G>A (p.Glu341Lys)

Gene: KCNK3 (potassium two pore domain channel subfamily K member 3; plus strand). Cytogenetic location: 2p23.3.
Variant type: single nucleotide variant.
Coding change: c.1021G>A on transcript NM_002246.3 (MANE Select); coding-DNA position 1021, G replaced by A.
Protein change: p.Glu341Lys; replaces glutamic acid 341 with lysine.
Molecular consequence: missense variant.
Genome position (GRCh38, 1-based): chr2:26,728,404, G>A. VCF-style: chr2-26728404-G-A. GRCh37 (hg19) VCF-style: chr2-26951272-G-A.
Other names: short protein forms E341K.
Identifiers: ClinVar variation 1709998 (VCV001709998.2), dbSNP rs2465325387, ClinGen allele CA346263258.
Genomic context (GRCh38, chr2:26,728,404, plus strand): 5'-CTGCAGTACTCCATCCCCATGATCATCCCGCGGGACCTCTCCACGTCCGACACGTGCGTG[G>A]AGCAGAGCCACTCGTCGCCGGGAGGGGGCGGCCGCTACAGCGACACGCCCTCGCGACGCT-3'
Protein context (NP_002237.1, residues 331-351): RDLSTSDTCV[Glu341Lys]QSHSSPGGGG

ClinVar aggregate classification (germline): Uncertain significance (1 of 4 stars; one submission).

Conditions:
Pulmonary hypertension, primary, 4. Identifiers: Orphanet 422, MedGen C3809198, MONDO:0014136, OMIM 615344.

Submission:

MGZ Medical Genetics Center
Classification: Uncertain significance for Pulmonary hypertension, primary, 4. Last evaluated: 2021-09-28. Review status: criteria provided, single submitter. Criteria: ACMG Guidelines, 2015. Collection method: clinical testing. Allele origin: germline. Affected: yes. Observed: 1 variant allele.
Comment: ACMG criteria applied: PM2_SUP